The following is an entry in ClinVar:

ClinVar aggregate classification (germline): Uncertain significance. Review status: criteria provided, multiple submitters, no conflicts (2 of 4 stars). 5 submissions from 5 submitters: Uncertain significance (4). 1 of the submissions does not count toward it. Last evaluated 2026-02-01.

Conditions:
Hereditary cancer-predisposing syndrome. Also called: Tumor predisposition; Hereditary Cancer Syndrome; Neoplastic Syndromes, Hereditary; Hereditary neoplastic syndrome. Identifiers: Orphanet 140162, MedGen C0027672, MeSH D009386, MONDO:0015356.
Ataxia-telangiectasia syndrome (AT). Also called: Cerebello-oculocutaneous telangiectasia; Immunodeficiency with ataxia telangiectasia; Ataxia-telangiectasia, complementation group D; AT, COMPLEMENTATION GROUP C; Ataxia-telangiectasia, complementation group E; LOUIS-BAR SYNDROME. Identifiers: Orphanet 100, MedGen C0004135, MONDO:0008840, OMIM 208900.

Allele frequency attached by ClinVar (database versions not stated): TOPMed below 0.00001.
gnomAD v4.1: 2 of 1,613,500 alleles (0.00012%); highest among the groups gnomAD compares: Non-Finnish European, 0.00017%; no homozygotes.

Submissions (5):

Labcorp Genetics (formerly Invitae), Labcorp
Classification: Uncertain significance for Ataxia-telangiectasia syndrome. Last evaluated: 2026-02-01. Review status: criteria provided, single submitter. Criteria: Invitae Variant Classification Sherloc (09022015). Collection method: clinical testing. Allele origin: germline.
Comment: This sequence change replaces aspartic acid, which is acidic and polar, with histidine, which is basic and polar, at codon 140 of the ATM protein (p.Asp140His). This variant is present in population databases (rs55633650, gnomAD 0.0009%). This variant has not been reported in the literature in individuals affected with ATM-related conditions. ClinVar contains an entry for this variant (Variation ID: 453507). Invitae Evidence Modeling of protein sequence and biophysical properties (such as structural, functional, and spatial information, amino acid conservation, physicochemical variation, residue mobility, and thermodynamic stability) indicates that this missense variant is not expected to disrupt ATM protein function with a negative predictive value of 95%. In summary, the available evidence is currently insufficient to determine the role of this variant in disease. Therefore, it has been classified as a Variant of Uncertain Significance.

Ambry Genetics
Classification: Uncertain significance for Hereditary cancer-predisposing syndrome. Last evaluated: 2023-04-20. Review status: criteria provided, single submitter. Criteria: Ambry Variant Classification Scheme 2023. Collection method: clinical testing. Allele origin: germline.
Comment: The p.D140H variant (also known as c.418G>C), located in coding exon 4 of the ATM gene, results from a G to C substitution at nucleotide position 418. The aspartic acid at codon 140 is replaced by histidine, an amino acid with similar properties. In one case-control study using whole exome sequencing, this alteration was not reported in 646 cases with chronic lymphocytic leukemia (CLL) but was identified in 1/8918 controls (Tiao G et al. Leukemia, 2017 10;31:2244-2247). This amino acid position is well conserved in available vertebrate species. In addition, the in silico prediction for this alteration is inconclusive. Since supporting evidence is limited at this time, the clinical significance of this alteration remains unclear.

GeneDx
Classification: Uncertain significance. Last evaluated: 2022-08-30. Review status: criteria provided, single submitter. Criteria: GeneDx Variant Classification Process June 2021. Collection method: clinical testing. Allele origin: germline. Affected: yes.
Comment: Not observed at significant frequency in large population cohorts (gnomAD); In silico analysis supports that this missense variant has a deleterious effect on protein structure/function; Observed in 0/646 individuals with leukemia (CLL) and in 1/8920 controls (Tiao et al., 2017); This variant is associated with the following publications: (PMID: 28652578)

Color Diagnostics, LLC DBA Color Health
Classification: Uncertain significance for Hereditary cancer-predisposing syndrome. Last evaluated: 2021-02-16. Review status: criteria provided, single submitter. Criteria: ACMG Guidelines, 2015. Collection method: clinical testing. Allele origin: germline.
Comment: This missense variant replaces aspartic acid with histidine at codon 140 of the ATM protein. Computational prediction suggests that this variant may not impact protein structure and function (internally defined REVEL score threshold <= 0.5, PMID: 27666373). To our knowledge, functional studies have not been reported for this variant. This variant has not been reported in individuals affected with hereditary cancer in the literature. This variant has been identified in 1/251344 chromosomes in the general population by the Genome Aggregation Database (gnomAD). The available evidence is insufficient to determine the role of this variant in disease conclusively. Therefore, this variant is classified as a Variant of Uncertain Significance.

Natera, Inc.
Classification: Uncertain significance for Ataxia-telangiectasia. Last evaluated: 2020-11-20. Review status: no assertion criteria provided. Collection method: clinical testing. Allele origin: germline. Not counted in ClinVar's aggregate classification.

Literature cited by the submitters: PubMed 28652578 (cited by Ambry Genetics).

NM_000051.4(ATM):c.418G>C (p.Asp140His)

Gene: ATM (ATM serine/threonine kinase; plus strand). Cytogenetic location: 11q22.3.
Variant type: single nucleotide variant.
Coding change: c.418G>C on transcript NM_000051.4 (MANE Select); coding-DNA position 418, G replaced by C.
Protein change: p.Asp140His; replaces aspartic acid 140 with histidine.
Molecular consequence: missense variant.
Genome position (GRCh38, 1-based): chr11:108,235,756, G>C. VCF-style: chr11-108235756-G-C. GRCh37 (hg19) VCF-style: chr11-108106483-G-C.
Other names: c.418G>C, p.Asp140His (NM_001351834.2); short protein forms D140H.
Identifiers: ClinVar variation 453507 (VCV000453507.21), dbSNP rs55633650, ClinGen allele CA6264603.